The following is an entry in ClinVar:

NM_033026.6(PCLO):c.8638A>T (p.Thr2880Ser)

Gene: PCLO (piccolo presynaptic cytomatrix protein; minus strand). Cytogenetic location: 7q21.11.
Variant type: single nucleotide variant.
Coding change: c.8638A>T on transcript NM_033026.6 (MANE Select); coding-DNA position 8638, A replaced by T.
Protein change: p.Thr2880Ser; replaces threonine 2880 with serine.
Molecular consequence: missense variant.
Genome position (GRCh38, 1-based): chr7:82,952,315, T>A on the plus strand (A>T on the coding strand, the complement: PCLO is on the minus strand). VCF-style: chr7-82952315-T-A. GRCh37 (hg19) VCF-style: chr7-82581631-T-A.
Other names: c.8638A>T, p.Thr2880Ser (NM_014510.3); short protein forms T2880S.
Identifiers: ClinVar variation 1474598 (VCV001474598.6), dbSNP rs2116432769, ClinGen allele CA367910568.

ClinVar aggregate classification (germline): Uncertain significance (1 of 4 stars; one submission).

Submission:

Labcorp Genetics (formerly Invitae), Labcorp
Classification: Uncertain significance. Last evaluated: 2022-12-06. Review status: criteria provided, single submitter. Criteria: Invitae Variant Classification Sherloc (09022015). Collection method: clinical testing. Allele origin: germline.
Comment: This sequence change replaces threonine, which is neutral and polar, with serine, which is neutral and polar, at codon 2880 of the PCLO protein (p.Thr2880Ser). This variant is not present in population databases (gnomAD no frequency). This variant has not been reported in the literature in individuals affected with PCLO-related conditions. ClinVar contains an entry for this variant (Variation ID: 1474598). Algorithms developed to predict the effect of missense changes on protein structure and function are either unavailable or do not agree on the potential impact of this missense change (SIFT: "Tolerated"; PolyPhen-2: "Not Available"; Align-GVGD: "Class C0"). In summary, the available evidence is currently insufficient to determine the role of this variant in disease. Therefore, it has been classified as a Variant of Uncertain Significance.